The following is an entry in ClinVar:

NM_001377142.1(PLCB4):c.1924G>A (p.Asp642Asn)

Gene: PLCB4 (phospholipase C beta 4; plus strand). Cytogenetic location: 20p12.2.
Variant type: single nucleotide variant.
Coding change: c.1924G>A on transcript NM_001377142.1 (MANE Select); coding-DNA position 1924, G replaced by A.
Protein change: p.Asp642Asn; replaces aspartic acid 642 with asparagine.
Molecular consequence: missense variant.
Genome position (GRCh38, 1-based): chr20:9,409,106, G>A. VCF-style: chr20-9409106-G-A. GRCh37 (hg19) VCF-style: chr20-9389753-G-A.
Other names: c.1888G>A, p.Asp630Asn (NM_000933.4, NM_001377134.2, NM_001377135.1 and 2 more transcripts); c.1924G>A, p.Asp642Asn (NM_001172646.2, NM_001377143.1); c.1924G>A (NM_001172646.1); short protein forms D642N, D630N.
Identifiers: ClinVar variation 635078 (VCV000635078.13), dbSNP rs1568763104, ClinGen allele CA408212098.

ClinVar aggregate classification (germline): Pathogenic/Likely pathogenic. Review status: criteria provided, multiple submitters, no conflicts (2 of 4 stars). 8 submissions from 8 submitters: Pathogenic (3); Likely pathogenic (5). Last evaluated 2025-09-26.

Conditions:
Auriculocondylar syndrome 2 (ARCND2A). Also called: AURICULOCONDYLAR SYNDROME 2A. Identifiers: Orphanet 137888, MedGen C3553404, MONDO:0013845, OMIM 614669.
Abnormal facial shape. Also called: Dysmorphic facial features; Dysmorphic facies. Identifiers: MedGen C0424503, HP:0001999.
Inborn genetic diseases. Identifiers: MedGen C0950123, MeSH D030342.
PLCB4-related disorder. Also called: PLCB4-related condition.

Submissions (8):

Ambry Genetics
Classification: Pathogenic for Inborn genetic diseases. Last evaluated: 2025-09-26. Review status: criteria provided, single submitter. Criteria: Ambry Variant Classification Scheme 2023. Collection method: clinical testing. Allele origin: germline.
Comment: The c.1888G>A (p.D630N) alteration is located in coding exon 20 of the PLCB4 gene. This alteration results from a G to A substitution at nucleotide position 1888, causing the aspartic acid (D) at amino acid position 630 to be replaced by an asparagine (N). This variant was not reported in population-based cohorts in the Genome Aggregation Database (gnomAD). This variant was determined to be de novo in at least one individual with features consistent with PLCB4-related auriculocondylar syndrome (Wojcik, 2020, external communication). This amino acid position is highly conserved in available vertebrate species. This missense alteration is located in a region that has a low rate of benign missense variation (Lek, 2016; Firth, 2009). The p.D630N alteration is predicted to be tolerated by in silico analysis. Based on the available evidence, this alteration is classified as pathogenic.

GeneDx
Classification: Pathogenic. Last evaluated: 2024-09-26. Review status: criteria provided, single submitter. Criteria: GeneDx Variant Classification Process June 2021. Collection method: clinical testing. Allele origin: germline. Affected: yes.
Comment: Reported as a heterozygous variant in an infant with a postmortem diagnosis of auriculocondylar syndrome; detailed clinical information was not provided (PMID: 31395954); Not observed at significant frequency in large population cohorts (gnomAD); In silico analysis supports that this missense variant has a deleterious effect on protein structure/function; This variant is associated with the following publications: (PMID: 28409567, 27089179, 26683228, 31357599, 33258288, 31395954)

Institute of Human Genetics Munich, TUM University Hospital
Classification: Pathogenic for Auriculocondylar syndrome 2. Last evaluated: 2023-04-11. Review status: criteria provided, single submitter. Criteria: Classification criteria August 2017. Collection method: clinical testing. Allele origin: de novo. Inheritance: Autosomal dominant inheritance. Affected: yes. Observed: 1 variant allele.

3billion
Classification: Likely pathogenic for Auriculocondylar syndrome 2. Last evaluated: 2021-10-02. Review status: criteria provided, single submitter. Criteria: ACMG Guidelines, 2015. Collection method: clinical testing. Allele origin: germline. Affected: yes. Observed: 1 heterozygote.
Comment: Same nucleotide change resulting in same amino acid change has been previously reported as pathogenic/likely pathogenic with supporting evidence (PMID: 33258288, 31395954 PS1_P). The missense variant is located in a mutational hot spot and/or well-established functional domain in which established pathogenic variants have been reported (PM1). It is not observed in the gnomAD v2.1.1 dataset (PM2). A different missense change at the same codon (p.Asp642Tyr) has been reported as pathogenic (PMID: 31186267, PM5). The variant was observed as assumed (i.e. paternity and maternity not confirmed) de novoo (3billion dataset, PM6). In silico tool predictions suggest damaging effect of the variant on gene or gene product (3Cnet: 0.832, PP3). Therefore, this variant is classified as likley pathogenic according to the recommendation of ACMG/AMP guideline.

Blueprint Genetics
Classification: Likely pathogenic for PLCB4-related disorders. Last evaluated: 2020-09-08. Review status: criteria provided, single submitter. Criteria: ACMG Guidelines, 2015. Collection method: clinical testing. Allele origin: de novo. Affected: yes. Observed: 1 variant allele.

Broad Center for Mendelian Genomics, Broad Institute of MIT and Harvard
Classification: Likely pathogenic for Auriculocondylar syndrome 2. Last evaluated: 2018-06-15. Review status: criteria provided, single submitter. Criteria: ACMG Guidelines, 2015. Collection method: research. Allele origin: germline. Inheritance: Autosomal dominant inheritance. Affected: yes.
Comment: Trio exome analysis showed this variant to be de novo. This variant was absent from large population studies. The Aspartic Acid (Asp) at position 630 is conserved in mammals and evolutionarily distant species, raising supporting that a change at this position may not be tolerated. Computational prediction tools do not provide strong support for or against an impact to the protein. In summary, although additional studies are required to fully establish its pathogenicity, this variant is likely pathogenic.

Equipe Genetique des Anomalies du Developpement, Université de Bourgogne
Classification: Likely pathogenic for Abnormal facial shape. Review status: criteria provided, single submitter. Criteria: ACMG Guidelines, 2015. Collection method: clinical testing. Allele origin: unknown. Affected: yes.

Rady Children's Institute for Genomic Medicine, Rady Children's Hospital San Diego
Classification: Likely pathogenic for AURICULOCONDYLAR SYNDROME 2. Review status: criteria provided, single submitter. Criteria: ACMG Guidelines, 2015. Collection method: clinical testing. Allele origin: germline. Affected: yes.
Comment: This variant has been previously reported as a heterozygous change, of unknown inheritance, in a deceased infant, as a de novo heterozygous change in an individual included in a large cohort with unspecified rare disease, and as a de novo change in a preterm infant with congenital syngnathism, severe migrognathia and a concern for ear anomaly (PMID: 33258288, 31395954, 32826208). This variant has also been identified in tumor samples of blue nevus-like melanoma and uveal melanoma (PMID: 31357599, 26683228, 27089179, 28409567). The PLCB4 gene is constrained against missense variation (Z score=3.57). The c.1888G>A (p.Asp630Asn) variant is absent from the gnomAD population database and thus is presumed to be rare. The c.1888G>A (p.Asp630Asn) variant affects a highly conserved amino acid; however, in silico analyses predict a discordant effect on protein function. Analysis of the parental samples was negative for the variant, indicating this variant likely occurred as a de novo event. Based on the available evidence, the c.1888G>A (p.Asp630Asn) variant is classified as Likely Pathogenic.

Literature cited by the submitters: PubMed 32826208 (cited by Ambry Genetics); PubMed 31186267 (cited by 3billion); PubMed 33258288 (cited by 3billion); PubMed 31395954 (cited by 3billion).